The following is an entry in ClinVar:

ClinVar aggregate classification (germline): Uncertain significance (1 of 4 stars; one submission).

Conditions:
Nephronophthisis. Also called: Juvenile Nephronophthisis. Identifiers: Orphanet 655, MedGen C0687120, MONDO:0019005, HP:0000090.

Allele frequency attached by ClinVar (database versions not stated): gnomAD exomes below 0.00001.
gnomAD v4.1: 2 of 1,614,188 alleles (0.00012%); highest among the groups gnomAD compares: Admixed American, 0.0017%; no homozygotes.

Submission:

Labcorp Genetics (formerly Invitae), Labcorp
Classification: Uncertain significance for Nephronophthisis. Last evaluated: 2023-05-15. Review status: criteria provided, single submitter. Criteria: Invitae Variant Classification Sherloc (09022015). Collection method: clinical testing. Allele origin: germline.
Comment: This sequence change replaces glutamic acid, which is acidic and polar, with aspartic acid, which is acidic and polar, at codon 474 of the NPHP3 protein (p.Glu474Asp). This variant is not present in population databases (gnomAD no frequency). This variant has not been reported in the literature in individuals affected with NPHP3-related conditions. ClinVar contains an entry for this variant (Variation ID: 1349026). Advanced modeling of protein sequence and biophysical properties (such as structural, functional, and spatial information, amino acid conservation, physicochemical variation, residue mobility, and thermodynamic stability) performed at Invitae indicates that this missense variant is not expected to disrupt NPHP3 protein function. In summary, the available evidence is currently insufficient to determine the role of this variant in disease. Therefore, it has been classified as a Variant of Uncertain Significance.

NM_153240.5(NPHP3):c.1422A>T (p.Glu474Asp)

Genes: NPHP3 (nephrocystin 3; minus strand), NPHP3-ACAD11 (NPHP3-ACAD11 readthrough (NMD candidate); minus strand). Cytogenetic location: 3q22.1.
Variant type: single nucleotide variant.
Coding change: c.1422A>T on transcript NM_153240.5 (MANE Select); coding-DNA position 1422, A replaced by T.
Protein change: p.Glu474Asp; replaces glutamic acid 474 with aspartic acid.
Molecular consequence: missense variant. On other transcripts: non-coding transcript variant (1).
Genome position (GRCh38, 1-based): chr3:132,704,300, T>A on the plus strand (A>T on the coding strand, the complement: NPHP3 is on the minus strand). VCF-style: chr3-132704300-T-A. GRCh37 (hg19) VCF-style: chr3-132423144-T-A.
Other names: short protein forms E474D.
Identifiers: ClinVar variation 1349026 (VCV001349026.5), dbSNP rs2107985912, ClinGen allele CA354584621.